The following is an entry in ClinVar:

ClinVar aggregate classification (germline): Uncertain significance (1 of 4 stars; one submission).

Conditions:
Neuronopathy, distal hereditary motor, autosomal recessive 4. Also called: Autosomal recessive lower motor neuron disease with childhood onset; NEUROPATHY, DISTAL HEREDITARY MOTOR, AUTOSOMAL RECESSIVE 4. Identifiers: Orphanet 206580, MedGen C1970211, MONDO:0012608, OMIM 611067.

Submission:

Kariminejad - Najmabadi Pathology & Genetics Center
Classification: Uncertain significance for Neuronopathy, distal hereditary motor, autosomal recessive 4. Last evaluated: 2019-02-18. Review status: criteria provided, single submitter. Criteria: ACMG Guidelines, 2015. Collection method: clinical testing. Allele origin: germline. Inheritance: Autosomal recessive inheritance. Affected: yes.
Comment: PM1,PM2

NM_020631.6(PLEKHG5):c.2057T>C (p.Leu686Pro)

Gene: PLEKHG5 (pleckstrin homology and RhoGEF domain containing G5; minus strand). Cytogenetic location: 1p36.31.
Variant type: single nucleotide variant.
Coding change: c.2057T>C on transcript NM_020631.6 (MANE Select); coding-DNA position 2057, T replaced by C.
Protein change: p.Leu686Pro; replaces leucine 686 with proline.
Molecular consequence: missense variant.
Genome position (GRCh38, 1-based): chr1:6,469,234, A>G on the plus strand (T>C on the coding strand, the complement: PLEKHG5 is on the minus strand). VCF-style: chr1-6469234-A-G. GRCh37 (hg19) VCF-style: chr1-6529294-A-G.
Other names: c.2168T>C, p.Leu723Pro (NM_001042663.3, NM_001265592.2); c.2057T>C, p.Leu686Pro (NM_001042664.2, NM_001042665.2, NM_001265594.3 and 1 more transcripts); c.2264T>C, p.Leu755Pro (NM_001265593.2); short protein forms L686P, L723P, L755P.
Identifiers: ClinVar variation 3896948 (VCV003896948.1).